The following is an entry in ClinVar:

NM_000179.3(MSH6):c.368A>G (p.Lys123Arg)

Gene: MSH6 (mutS homolog 6; plus strand). Cytogenetic location: 2p16.3.
Variant type: single nucleotide variant.
Coding change: c.368A>G on transcript NM_000179.3 (MANE Select); coding-DNA position 368, A replaced by G.
Protein change: p.Lys123Arg; replaces lysine 123 with arginine.
Molecular consequence: missense variant. On other transcripts: 5 prime UTR variant (7), non-coding transcript variant (5), intron variant (6).
Genome position (GRCh38, 1-based): chr2:47,791,034, A>G. VCF-style: chr2-47791034-A-G. GRCh37 (hg19) VCF-style: chr2-48018173-A-G.
Other names: c.464A>G, p.Lys155Arg (NM_001406795.1, NM_001406802.1); c.-535A>G (NM_001281494.2); c.-369A>G (NM_001281493.2, NM_001406811.1, NM_001406823.1 and 1 more transcripts); c.368A>G, p.Lys123Arg (NM_001406796.1, NM_001406798.1, NM_001406800.1 and 6 more transcripts); c.71A>G, p.Lys24Arg (NM_001406797.1, NM_001406801.1, NM_001406805.1 and 10 more transcripts); c.290A>G, p.Lys97Arg (NM_001406804.1); c.-561A>G (NM_001406807.1); c.-627A>G (NM_001406814.1); and 6 more; short protein forms K123R, K155R, K24R, K67R, K97R.
Identifiers: ClinVar variation 3071622 (VCV003071622.2), dbSNP rs2104105982, ClinGen allele CA346737023.

ClinVar aggregate classification (germline): Uncertain significance. Review status: criteria provided, multiple submitters, no conflicts (2 of 4 stars). 2 submissions from 2 submitters: Uncertain significance (2). Last evaluated 2024-03-07.

Conditions:
Lynch syndrome. Identifiers: Orphanet 144, MedGen C4552100, MONDO:0005835. Disease mechanism: loss of function.
Hereditary cancer-predisposing syndrome. Also called: Hereditary neoplastic syndrome; Hereditary Cancer Syndrome; Neoplastic Syndromes, Hereditary; Tumor predisposition. Identifiers: Orphanet 140162, MedGen C0027672, MeSH D009386, MONDO:0015356.

Submissions (2):

Color Diagnostics, LLC DBA Color Health
Classification: Uncertain significance for Hereditary cancer-predisposing syndrome. Last evaluated: 2024-03-07. Review status: criteria provided, single submitter. Criteria: ACMG Guidelines, 2015. Collection method: clinical testing. Allele origin: germline.
Comment: This missense variant replaces lysine with arginine at codon 123 of the MSH6 protein. Computational prediction suggests that this variant may not impact protein structure and function (internally defined REVEL score threshold <= 0.5, PMID: 27666373). To our knowledge, functional studies have not been reported for this variant. This variant has not been reported in individuals affected with MSH6-related disorders in the literature. This variant has not been identified in the general population by the Genome Aggregation Database (gnomAD). The available evidence is insufficient to determine the role of this variant in disease conclusively. Therefore, this variant is classified as a Variant of Uncertain Significance.

All of Us Research Program, National Institutes of Health
Classification: Uncertain significance for Lynch syndrome. Last evaluated: 2023-06-08. Review status: criteria provided, single submitter. Criteria: ACMG Guidelines, 2015. Collection method: clinical testing. Allele origin: germline. Inheritance: Autosomal dominant inheritance. Observed: 1 variant allele, 1 heterozygote.
Comment: This missense variant replaces lysine with arginine at codon 123 of the MSH6 protein. Computational prediction suggests that this variant may not impact protein structure and function (internally defined REVEL score threshold <= 0.5, PMID: 27666373). To our knowledge, functional studies have not been reported for this variant. This variant has not been reported in individuals affected with MSH6-related disorders in the literature. This variant has not been identified in the general population by the Genome Aggregation Database (gnomAD). The available evidence is insufficient to determine the role of this variant in disease conclusively. Therefore, this variant is classified as a Variant of Uncertain Significance.

This study involves interpretation of variants in research participants for the purpose of population health screening. Participant phenotype was not available at the time of variant classification. Additional details can be found in publication PMID: 35346344, PMCID: PMC8962531